The following is an entry in ClinVar:

ClinVar aggregate classification (germline): Uncertain significance (1 of 4 stars; one submission).

Submission:

GeneDx
Classification: Uncertain significance. Last evaluated: 2014-06-24. Review status: criteria provided, single submitter. Criteria: GeneDx Variant Classification (06012015). Collection method: clinical testing. Allele origin: germline. Affected: yes.
Comment: c.107+3 A>G: IVS1+3 A>G in intron 1 of the GABRG2 gene (NM_000816.3) The c.107+3 A>G variant has not been published as a mutation, nor has it been reported as a benign polymorphism to our knowledge. The c.107+3 A>G variant was not observed in approximately 6,500 individuals of European and African American ancestry in the NHLBI Exome Sequencing Project, indicating it is not a common benign variant in these populations. Several in-silico splice prediction models predict that c.107+3 A>G damages the natural splice donor site in intron 1, which may lead to abnormal gene splicing. However, in the absence of RNA/functional studies, the actual effect of this sequence change is unknown. Therefore, based on the currently available information, it is unclear whether this variant is a pathogenic mutation or a rare benign variant. The variant is found in CHILD-EPI panel(s).

NM_198904.4(GABRG2):c.107+3A>G

Gene: GABRG2 (gamma-aminobutyric acid type A receptor subunit gamma2; plus strand). Cytogenetic location: 5q34.
Variant type: single nucleotide variant.
Coding change: c.107+3A>G on transcript NM_198904.4 (MANE Select); 3 bases into the intron after coding-DNA position 107, A replaced by G.
Molecular consequence: intron variant.
Genome position (GRCh38, 1-based): chr5:162,068,109, A>G. VCF-style: chr5-162068109-A-G. GRCh37 (hg19) VCF-style: chr5-161495115-A-G.
Other names: c.-300+3A>G (NM_001375349.1); c.107+3A>G (NM_001375343.1, NM_001375344.1, NM_001375340.1 and 5 more transcripts); c.-252+3A>G (NM_001375350.1, NM_001375348.1); c.41+3A>G (NM_001375346.1, NM_001375345.1); c.20+468A>G (NM_001375347.1).
Identifiers: ClinVar variation 205560 (VCV000205560.2), dbSNP rs796052517, ClinGen allele CA314765.